The following is an entry in ClinVar:

ClinVar aggregate classification (germline): Pathogenic (1 of 4 stars; one submission).

Conditions:
Neuromuscular disease caused by qualitative or quantitative defects of dysferlin. Also called: Qualitative or quantitative defects of dysferlin; Dysferlinopathy. Identifiers: Orphanet 207073, MedGen C2931687, MONDO:0016145.

Submission:

Labcorp Genetics (formerly Invitae), Labcorp
Classification: Pathogenic for Neuromuscular disease caused by qualitative or quantitative defects of dysferlin. Last evaluated: 2023-06-20. Review status: criteria provided, single submitter. Criteria: Invitae Variant Classification Sherloc (09022015). Collection method: clinical testing. Allele origin: unknown.
Comment: This variant is a gross deletion of the genomic region encompassing exon(s) 53 of the DYSF gene. This deletion is out-of-frame, and is expected to create a premature termination codon and result in an absent or disrupted protein product. Loss-of-function variants in DYSF are known to be pathogenic (PMID: 17698709, 20301480). For these reasons, this variant has been classified as Pathogenic. This variant has not been reported in the literature in individuals affected with DYSF-related conditions.

Literature cited by the submitters: PubMed 17698709; PubMed 20301480.

NC_000002.11:g.(?_71908111)_(71908260_?)del

Gene: DYSF (dysferlin; plus strand). Cytogenetic location: 2p13.2.
Variant type: Deletion.
Identifiers: ClinVar variation 3247368 (VCV003247368.1).